The following is an entry in ClinVar:

ClinVar aggregate classification (germline): Uncertain significance (1 of 4 stars; one submission).

Conditions:
Cardiovascular phenotype. Identifiers: MedGen CN230736.

Submission:

Ambry Genetics
Classification: Uncertain significance for Cardiovascular phenotype. Last evaluated: 2015-12-24. Review status: criteria provided, single submitter. Criteria: Ambry Variant Classification Scheme 2023. Collection method: clinical testing. Allele origin: germline.
Comment: The p.G3863S variant (also known as c.11587G>A), located in coding exon 86 of the RYR2 gene, results from a G to A substitution at nucleotide position 11587. The glycine at codon 3863 is replaced by serine, an amino acid with some similar properties. This variant was not reported in population based cohorts in the following databases: Database of Single Nucleotide Polymorphisms (dbSNP), NHLBI Exome Sequencing Project (ESP), and 1000 Genomes Project. In the ESP, this variant was not observed in 5891 samples (11782 alleles) with coverage at this position. This amino acid position is highly conserved in available vertebrate species. In addition, this alteration is predicted to be deleterious by in silico analysis. Since supporting evidence is limited at this time, the clinical significance of this variant remains unclear.

NM_001035.3(RYR2):c.11587G>A (p.Gly3863Ser)

Gene: RYR2 (ryanodine receptor 2; plus strand). Cytogenetic location: 1q43.
Variant type: single nucleotide variant.
Coding change: c.11587G>A on transcript NM_001035.3 (MANE Select); coding-DNA position 11587, G replaced by A.
Protein change: p.Gly3863Ser; replaces glycine 3863 with serine.
Molecular consequence: missense variant.
Genome position (GRCh38, 1-based): chr1:237,772,041, G>A. VCF-style: chr1-237772041-G-A. GRCh37 (hg19) VCF-style: chr1-237935341-G-A.
Other names: c.11587G>A, p.Gly3863Ser (LRG_402t1); short protein forms G3863S.
Identifiers: ClinVar variation 264573 (VCV000264573.5), dbSNP rs886039194, ClinGen allele CA10587431.
Genomic context (GRCh38, chr1:237,772,041, plus strand): 5'-AGCATTAATAACATTTTTTTATCTTGCATAGATTTTCAGAATTATCTGAGAACTCAGACT[G>A]GCAATAATACAACTGTCAACATAATTATCTCCACTGTAGACTACCTACTGAGAGTTCAGG-3'
Protein context (NP_001026.2, residues 3853-3873): DFQNYLRTQT[Gly3863Ser]NNTTVNIIIS